The following is an entry in ClinVar:

ClinVar aggregate classification (germline): Conflicting classifications of pathogenicity. Review status: criteria provided, conflicting classifications (1 of 4 stars). 3 submissions from 3 submitters: Uncertain significance (1); Benign (1); Likely benign (1). Last evaluated 2025-06-24.

Conditions:
Von Hippel-Lindau syndrome (VHLS). Also called: von Hippel–Lindau syndrome; Von Hippel-Lindau; VHL syndrome. Identifiers: Orphanet 892, MedGen C0019562, MONDO:0008667, OMIM 193300. Disease mechanism: loss of function.
Chuvash polycythemia. Also called: POLYCYTHEMIA, VHL-DEPENDENT. Identifiers: Orphanet 238557, MedGen C1837915, MONDO:0009892, OMIM 263400.
Hereditary cancer-predisposing syndrome. Also called: Neoplastic Syndromes, Hereditary; Tumor predisposition; Hereditary Cancer Syndrome; Hereditary neoplastic syndrome. Identifiers: Orphanet 140162, MedGen C0027672, MeSH D009386, MONDO:0015356.

gnomAD v4.1: 1 of 1,613,450 alleles (0.000062%); highest among the groups gnomAD compares: Non-Finnish European, 0.000085%; no homozygotes.

Submissions (3):

Ambry Genetics
Classification: Benign for Hereditary cancer-predisposing syndrome. Last evaluated: 2025-06-24. Review status: criteria provided, single submitter. Criteria: Ambry Variant Classification Scheme 2023. Collection method: clinical testing. Allele origin: germline.

Myriad Genetics, Inc.
Classification: Likely benign for Von Hippel-Lindau syndrome. Last evaluated: 2025-06-11. Review status: criteria provided, single submitter. Criteria: Myriad Autosomal Dominant, Autosomal Recessive and X-Linked Classification Criteria (2023). Collection method: clinical testing. Allele origin: unknown.
Comment: This variant is considered likely benign. This variant is intronic and is not expected to impact mRNA splicing.

Labcorp Genetics (formerly Invitae), Labcorp
Classification: Uncertain significance for Von Hippel-Lindau syndrome; Chuvash polycythemia. Last evaluated: 2018-02-07. Review status: criteria provided, single submitter. Criteria: Invitae Variant Classification Sherloc (09022015). Collection method: clinical testing. Allele origin: germline.
Comment: In summary, the available evidence is currently insufficient to determine the role of this variant in disease. Therefore, it has been classified as a Variant of Uncertain Significance. This variant has not been reported in the literature in individuals with VHL-related disease. This variant is not present in population databases (ExAC no frequency). This sequence change falls in intron 1 of the VHL gene. It does not directly change the encoded amino acid sequence of the VHL protein.

NM_000551.4(VHL):c.341-5G>T

Genes: VHL (von Hippel-Lindau tumor suppressor; plus strand), LOC107303340 (3p25 von Hippel-Lindau tumor suppressor, E3 ubiquitin protein ligase Alu-mediated recombination region; plus strand). Cytogenetic location: 3p25.3.
Variant type: single nucleotide variant.
Coding change: c.341-5G>T on transcript NM_000551.4 (MANE Select); 5 bases into the intron before coding-DNA position 341, G replaced by T.
Molecular consequence: intron variant.
Genome position (GRCh38, 1-based): chr3:10,146,509, G>T. VCF-style: chr3-10146509-G-T. GRCh37 (hg19) VCF-style: chr3-10188193-G-T.
Other names: c.*18-3278G>T (NM_001354723.2); c.341-3278G>T (NM_198156.3).
Identifiers: ClinVar variation 567865 (VCV000567865.11), dbSNP rs372340900, ClinGen allele CA891843323.